The following is an entry in ClinVar:

NM_002878.4(RAD51D):c.724G>A (p.Gly242Ser)

Genes: RAD51L3-RFFL (RAD51L3-RFFL readthrough; minus strand), RAD51D (RAD51 paralog D; minus strand). Cytogenetic location: 17q12.
Variant type: single nucleotide variant.
Coding change: c.724G>A on transcript NM_002878.4 (MANE Select); coding-DNA position 724, G replaced by A.
Protein change: p.Gly242Ser; replaces glycine 242 with serine.
Molecular consequence: missense variant. On other transcripts: non-coding transcript variant (3).
Genome position (GRCh38, 1-based): chr17:35,103,268, C>T on the plus strand (G>A on the coding strand, the complement: RAD51D is on the minus strand). VCF-style: chr17-35103268-C-T. GRCh37 (hg19) VCF-style: chr17-33430287-C-T.
Other names: c.784G>A, p.Gly262Ser (NM_001142571.2); c.388G>A, p.Gly130Ser (NM_133629.3); short protein forms G242S, G130S, G262S.
Identifiers: ClinVar variation 575578 (VCV000575578.9), dbSNP rs1567726178, ClinGen allele CA399087509.
Genomic context (GRCh38, chr17:35,103,268, plus strand): 5'-CGCAATAACTAGAAATCAAGTTCATTGGCCAAGCCTGCTTCCTCACCACCACTGCCATGC[C>T]AAGGTCCCGGGCCAGGGTCTTCAGCTCTCGGGCCAGCTGCATCATCAAGGCCAAGCCTGC-3'
Protein context (NP_002869.3, residues 232-252): RELKTLARDL[Gly242Ser]MAVVVTNHIT

ClinVar aggregate classification (germline): Uncertain significance. Review status: criteria provided, multiple submitters, no conflicts (2 of 4 stars). 2 submissions from 2 submitters: Uncertain significance (2). Last evaluated 2023-11-01.

Conditions:
Breast-ovarian cancer, familial, susceptibility to, 4. Identifiers: Orphanet 145, MedGen C3280345, MONDO:0013669, OMIM 614291.
Hereditary cancer-predisposing syndrome. Also called: Tumor predisposition; Hereditary neoplastic syndrome; Hereditary Cancer Syndrome; Neoplastic Syndromes, Hereditary. Identifiers: Orphanet 140162, MedGen C0027672, MeSH D009386, MONDO:0015356.

Allele frequency attached by ClinVar (database versions not stated): gnomAD exomes below 0.00001.

Submissions (2):

Labcorp Genetics (formerly Invitae), Labcorp
Classification: Uncertain significance for Breast-ovarian cancer, familial, susceptibility to, 4. Last evaluated: 2023-11-01. Review status: criteria provided, single submitter. Criteria: Invitae Variant Classification Sherloc (09022015). Collection method: clinical testing. Allele origin: germline.
Comment: This sequence change replaces glycine, which is neutral and non-polar, with serine, which is neutral and polar, at codon 242 of the RAD51D protein (p.Gly242Ser). This variant is not present in population databases (gnomAD no frequency). This variant has not been reported in the literature in individuals affected with RAD51D-related conditions. ClinVar contains an entry for this variant (Variation ID: 575578). Advanced modeling of protein sequence and biophysical properties (such as structural, functional, and spatial information, amino acid conservation, physicochemical variation, residue mobility, and thermodynamic stability) performed at Invitae indicates that this missense variant is not expected to disrupt RAD51D protein function with a negative predictive value of 80%. In summary, the available evidence is currently insufficient to determine the role of this variant in disease. Therefore, it has been classified as a Variant of Uncertain Significance.

Ambry Genetics
Classification: Uncertain significance for Hereditary cancer-predisposing syndrome. Last evaluated: 2020-12-18. Review status: criteria provided, single submitter. Criteria: Ambry Variant Classification Scheme 2023. Collection method: clinical testing. Allele origin: germline.
Comment: The p.G242S variant (also known as c.724G>A), located in coding exon 8 of the RAD51D gene, results from a G to A substitution at nucleotide position 724. The glycine at codon 242 is replaced by serine, an amino acid with similar properties. This amino acid position is not well conserved in available vertebrate species. In addition, this alteration is predicted to be tolerated by in silico analysis. Since supporting evidence is limited at this time, the clinical significance of this alteration remains unclear.